The following is an entry in ClinVar:

NM_014324.6(AMACR):c.887C>T (p.Pro296Leu)

Genes: AMACR (alpha-methylacyl-CoA racemase; minus strand), C1QTNF3-AMACR (C1QTNF3-AMACR readthrough (NMD candidate); minus strand). Cytogenetic location: 5p13.2.
Variant type: single nucleotide variant.
Coding change: c.887C>T on transcript NM_014324.6 (MANE Select); coding-DNA position 887, C replaced by T.
Protein change: p.Pro296Leu; replaces proline 296 with leucine.
Molecular consequence: missense variant. On other transcripts: non-coding transcript variant (1), 3 prime UTR variant (1).
Genome position (GRCh38, 1-based): chr5:33,989,355, G>A on the plus strand (C>T on the coding strand, the complement: AMACR is on the minus strand). VCF-style: chr5-33989355-G-A. GRCh37 (hg19) VCF-style: chr5-33989460-G-A.
Other names: c.887C>T (NM_014324.5); c.887C>T, p.Pro296Leu (NM_001167595.2); c.*129C>T (NM_203382.3); short protein forms P296L.
Identifiers: ClinVar variation 1413911 (VCV001413911.8), dbSNP rs774180397, ClinGen allele CA3226003.

ClinVar aggregate classification (germline): Uncertain significance. Review status: criteria provided, multiple submitters, no conflicts (2 of 4 stars). 5 submissions from 5 submitters: Uncertain significance (5). Last evaluated 2024-05-30.

Conditions:
AMACR-related disorder. Also called: AMACR-related condition; AMACR-Related Disorders.
Inborn genetic diseases. Identifiers: MedGen C0950123, MeSH D030342.
Alpha-methylacyl-CoA racemase deficiency (AMACRD). Also called: AMACR deficiency. Identifiers: Orphanet 79095, MedGen C3280428, MONDO:0013681, OMIM 614307. Disease mechanism: loss of function.
Congenital bile acid synthesis defect 4 (CBAS4). Also called: TRIHYDROXYCOPROSTANIC ACID IN BILE; CHOLESTASIS, INTRAHEPATIC, WITH DEFECTIVE CONVERSION OF TRIHYDROXYCOPROSTANIC ACID TO CHOLIC ACID. Identifiers: Orphanet 79095, MedGen C1858328, MONDO:0008967, OMIM 214950.

Allele frequency attached by ClinVar (database versions not stated): gnomAD 0.00001; gnomAD exomes 0.00001; ExAC 0.00002; TOPMed 0.00003.

Submissions (5):

Ambry Genetics
Classification: Uncertain significance for Inborn genetic diseases. Last evaluated: 2024-05-30. Review status: criteria provided, single submitter. Criteria: Ambry Variant Classification Scheme 2023. Collection method: clinical testing. Allele origin: germline.

PreventionGenetics, part of Exact Sciences
Classification: Uncertain significance for AMACR-related condition. Last evaluated: 2022-11-17. Review status: criteria provided, single submitter. Criteria: ACMG Guidelines, 2015. Collection method: clinical testing. Allele origin: germline.
Comment: The AMACR c.887C>T variant is predicted to result in the amino acid substitution p.Pro296Leu. To our knowledge, this variant has not been reported in the literature. This variant is reported in 0.0023% of alleles in individuals of European (Non-Finnish) descent in gnomAD. At this time, the clinical significance of this variant is uncertain due to the absence of conclusive functional and genetic evidence.

Labcorp Genetics (formerly Invitae), Labcorp
Classification: Uncertain significance for Alpha-methylacyl-CoA racemase deficiency. Last evaluated: 2022-06-01. Review status: criteria provided, single submitter. Criteria: Invitae Variant Classification Sherloc (09022015). Collection method: clinical testing. Allele origin: germline.
Comment: This sequence change replaces proline, which is neutral and non-polar, with leucine, which is neutral and non-polar, at codon 296 of the AMACR protein (p.Pro296Leu). This variant is present in population databases (rs774180397, gnomAD no frequency). This variant has not been reported in the literature in individuals affected with AMACR-related conditions. ClinVar contains an entry for this variant (Variation ID: 1413911). Algorithms developed to predict the effect of missense changes on protein structure and function are either unavailable or do not agree on the potential impact of this missense change (SIFT: "Deleterious"; PolyPhen-2: "Benign"; Align-GVGD: "Class C65"). In summary, the available evidence is currently insufficient to determine the role of this variant in disease. Therefore, it has been classified as a Variant of Uncertain Significance.

Blueprint Genetics
Classification: Uncertain significance. Last evaluated: 2022-04-08. Review status: criteria provided, single submitter. Criteria: ACMG Guidelines, 2015. Collection method: clinical testing. Allele origin: germline.

Fulgent Genetics
Classification: Uncertain significance for Congenital bile acid synthesis defect 4; Alpha-methylacyl-CoA racemase deficiency. Last evaluated: 2021-09-09. Review status: criteria provided, single submitter. Criteria: ACMG Guidelines, 2015. Collection method: clinical testing. Allele origin: unknown.